The following is an entry in ClinVar:

ClinVar aggregate classification (germline): Conflicting classifications of pathogenicity. Review status: criteria provided, conflicting classifications (1 of 4 stars). 2 submissions from 2 submitters: Uncertain significance (1); Likely benign (1). Last evaluated 2026-07-19.

Conditions:
Nemaline myopathy 2 (NEM2). Also called: Nemaline myopathy 2, autosomal recessive. Identifiers: MedGen C1850569, MONDO:0009725, OMIM 256030.
Inborn genetic diseases. Identifiers: MedGen C0950123, MeSH D030342.

Allele frequency attached by ClinVar (database versions not stated): ExAC 0.00001.
gnomAD v4.1: 6 of 1,612,762 alleles (0.00037%); highest among the groups gnomAD compares: African/African-American, 0.0067%; no homozygotes.

Submissions (2):

Ambry Genetics
Classification: Uncertain significance for Inborn genetic diseases. Last evaluated: 2026-07-19. Review status: criteria provided, single submitter. Criteria: Ambry Variant Classification Scheme 2023. Collection method: clinical testing. Allele origin: germline.
Comment: The c.6036G>T (p.Q2012H) alteration is located in exon 47 (coding exon 45) of the NEB gene. This alteration results from a G to T substitution at nucleotide position 6036, causing the glutamine (Q) at amino acid position 2012 to be replaced by a histidine (H). Based on data from gnomAD, the T allele has an overall frequency of 0.001% (2/248916) total alleles studied. The highest observed frequency was 0.013% (2/15476) of African alleles. Based on insufficient or conflicting evidence, the clinical significance of this alteration remains unclear.

Labcorp Genetics (formerly Invitae), Labcorp
Classification: Likely benign for Nemaline myopathy 2. Last evaluated: 2023-09-27. Review status: criteria provided, single submitter. Criteria: Invitae Variant Classification Sherloc (09022015). Collection method: clinical testing. Allele origin: germline.

NM_001164508.2(NEB):c.6036G>T (p.Gln2012His)

Gene: NEB (nebulin; minus strand). Cytogenetic location: 2q23.3.
Variant type: single nucleotide variant.
Coding change: c.6036G>T on transcript NM_001164508.2 (MANE Select); coding-DNA position 6036, G replaced by T.
Protein change: p.Gln2012His; replaces glutamine 2012 with histidine.
Molecular consequence: missense variant.
Genome position (GRCh38, 1-based): chr2:151,659,104, C>A on the plus strand (G>T on the coding strand, the complement: NEB is on the minus strand). VCF-style: chr2-151659104-C-A. GRCh37 (hg19) VCF-style: chr2-152515618-C-A.
Other names: c.6036G>T (NM_004543.4); c.6036G>T, p.Gln2012His (NM_001164507.2, NM_001271208.2, NM_004543.5); short protein forms Q2012H.
Identifiers: ClinVar variation 2969973 (VCV002969973.4), dbSNP rs770061515, ClinGen allele CA1910200.